The following is an entry in ClinVar:

ClinVar aggregate classification (germline): Likely benign. Review status: criteria provided, multiple submitters, no conflicts (2 of 4 stars). 2 submissions from 2 submitters: Likely benign (2). Last evaluated 2025-06-01.

gnomAD v4.1: 21 of 1,613,954 alleles (0.0013%); highest among the groups gnomAD compares: East Asian, 0.013%; no homozygotes.

Submissions (2):

CeGaT Center for Human Genetics Tuebingen
Classification: Likely benign. Last evaluated: 2025-06-01. Review status: criteria provided, single submitter. Criteria: CeGaT Center For Human Genetics Tuebingen Variant Classification Criteria Version 2. Collection method: clinical testing. Allele origin: germline. Affected: yes. Observed: 1 variant allele.
Comment: MCM5: BP4, BP7

Labcorp Genetics (formerly Invitae), Labcorp
Classification: Likely benign. Last evaluated: 2024-04-17. Review status: criteria provided, single submitter. Criteria: Invitae Variant Classification Sherloc (09022015). Collection method: clinical testing. Allele origin: germline.

NM_006739.4(MCM5):c.771C>T (p.Val257=)

Gene: MCM5 (minichromosome maintenance complex component 5; plus strand). Cytogenetic location: 22q12.3.
Variant type: single nucleotide variant.
Coding change: c.771C>T on transcript NM_006739.4 (MANE Select); coding-DNA position 771, C replaced by T.
Protein change: p.Val257=; no amino-acid change (valine 257 retained).
Molecular consequence: synonymous variant.
Genome position (GRCh38, 1-based): chr22:35,410,762, C>T. VCF-style: chr22-35410762-C-T. GRCh37 (hg19) VCF-style: chr22-35806755-C-T.
Identifiers: ClinVar variation 3626568 (VCV003626568.10).